The following is an entry in ClinVar:

NM_198525.3(KIF7):c.3201G>C (p.Gln1067His)

Gene: KIF7 (kinesin family member 7; minus strand). Cytogenetic location: 15q26.1.
Variant type: single nucleotide variant.
Coding change: c.3201G>C on transcript NM_198525.3 (MANE Select); coding-DNA position 3201, G replaced by C.
Protein change: p.Gln1067His; replaces glutamine 1067 with histidine.
Molecular consequence: missense variant.
Genome position (GRCh38, 1-based): chr15:89,630,404, C>G on the plus strand (G>C on the coding strand, the complement: KIF7 is on the minus strand). VCF-style: chr15-89630404-C-G. GRCh37 (hg19) VCF-style: chr15-90173635-C-G.
Other names: short protein forms Q1067H.
Identifiers: ClinVar variation 2229544 (VCV002229544.2), dbSNP rs201342316, ClinGen allele CA393756033.
Genomic context (GRCh38, chr15:89,630,404, plus strand): 5'-CTTGGCCATGAGGTTCATCTCGCACTGGGACAGCAACGAGGCTGAGGCCCGAAGCACCCG[C>G]TGGCGGCATGTGATGGCCTCATTCTTATACTCAATGGCAGCATCCAGGGCCTCGATGGCC-3'
Protein context (NP_940927.2, residues 1057-1077): EYKNEAITCR[Gln1067His]RVLRASASLL

ClinVar aggregate classification (germline): Uncertain significance (1 of 4 stars; one submission).

Conditions:
Inborn genetic diseases. Identifiers: MedGen C0950123, MeSH D030342.

Submission:

Ambry Genetics
Classification: Uncertain significance for Inborn genetic diseases. Last evaluated: 2021-03-22. Review status: criteria provided, single submitter. Criteria: Ambry Variant Classification Scheme 2023. Collection method: clinical testing. Allele origin: germline.
Comment: The c.3201G>C (p.Q1067H) alteration is located in exon 16 (coding exon 15) of the KIF7 gene. This alteration results from a G to C substitution at nucleotide position 3201, causing the glutamine (Q) at amino acid position 1067 to be replaced by a histidine (H). The p.Q1067H alteration is predicted to be tolerated by in silico analysis. Based on insufficient or conflicting evidence, the clinical significance of this alteration remains unclear.